The following is an entry in ClinVar:

ClinVar aggregate classification (germline): Conflicting classifications of pathogenicity. Review status: criteria provided, conflicting classifications (1 of 4 stars). 3 submissions from 3 submitters: Uncertain significance (1); Likely benign (2). Last evaluated 2025-05-07.

Conditions:
Ehlers-Danlos syndrome, spondylodysplastic type, 2 (EDSSPD2). Also called: Ehlers-Danlos syndrome, progeroid type, 2. Identifiers: Orphanet 536467, Orphanet 75496, MedGen C3809210, MONDO:0014139, OMIM 615349.
Spondyloepimetaphyseal dysplasia with joint laxity (SEMDJL). Identifiers: MedGen C0432243, MONDO:0019675.

Allele frequency attached by ClinVar (database versions not stated): ExAC below 0.00001; gnomAD 0.00001; gnomAD exomes 0.00001; TOPMed 0.00001.

Submissions (3):

Mayo Clinic Laboratories, Mayo Clinic
Classification: Likely benign. Last evaluated: 2025-05-07. Review status: criteria provided, single submitter. Criteria: ACMG Guidelines, 2015. Collection method: clinical testing. Allele origin: germline. Observed: 1 variant allele.
Comment: BP4, BP7, PM2_supporting

Labcorp Genetics (formerly Invitae), Labcorp
Classification: Likely benign for Ehlers-Danlos syndrome, spondylodysplastic type, 2; Spondyloepimetaphyseal dysplasia with joint laxity. Last evaluated: 2023-06-25. Review status: criteria provided, single submitter. Criteria: Invitae Variant Classification Sherloc (09022015). Collection method: clinical testing. Allele origin: germline.

Eurofins Ntd Llc (ga)
Classification: Uncertain significance. Last evaluated: 2016-09-05. Review status: criteria provided, single submitter. Criteria: EGL Classification Definitions 2015. Collection method: clinical testing. Allele origin: germline. Observed: 1 variant allele, 1 heterozygote.

NM_080605.4(B3GALT6):c.699C>T (p.Asp233=)

Gene: B3GALT6 (beta-1,3-galactosyltransferase 6; plus strand). Cytogenetic location: 1p36.33.
Variant type: single nucleotide variant.
Coding change: c.699C>T on transcript NM_080605.4 (MANE Select); coding-DNA position 699, C replaced by T.
Protein change: p.Asp233=; no amino-acid change (aspartic acid 233 retained).
Molecular consequence: synonymous variant.
Genome position (GRCh38, 1-based): chr1:1,232,977, C>T. VCF-style: chr1-1232977-C-T. GRCh37 (hg19) VCF-style: chr1-1168357-C-T.
Other names: p.Asp233=.
Identifiers: ClinVar variation 290128 (VCV000290128.9), dbSNP rs766274999, ClinGen allele CA513426.